The following is an entry in ClinVar:

ClinVar aggregate classification (germline): Conflicting classifications of pathogenicity. Review status: criteria provided, conflicting classifications (1 of 4 stars). 7 submissions from 7 submitters: Uncertain significance (1); Benign (2); Likely benign (4). Last evaluated 2026-02-04.

Conditions:
Noonan syndrome and Noonan-related syndrome. Identifiers: Orphanet 98733, MedGen C5681679, MONDO:0020297.
Hereditary cancer-predisposing syndrome. Also called: Neoplastic Syndromes, Hereditary; Tumor predisposition; Hereditary Cancer Syndrome; Hereditary neoplastic syndrome. Identifiers: Orphanet 140162, MedGen C0027672, MeSH D009386, MONDO:0015356.
Cardiovascular phenotype. Identifiers: MedGen CN230736.

Allele frequency attached by ClinVar (database versions not stated): ESP Exome Variant Server 0.00023; gnomAD exomes 0.00026 and 0.00030; ExAC 0.00031; gnomAD 0.00036 and 0.00044; TOPMed 0.00049; 1000 Genomes Project 0.00220; 1000 Genomes Project 30x 0.00250.
gnomAD v4.1: 441 of 1,612,498 alleles (0.027%); highest among the groups gnomAD compares: Admixed American, 0.23%; 1 homozygote.

Submissions (7):

Labcorp Genetics (formerly Invitae), Labcorp
Classification: Benign. Last evaluated: 2026-02-04. Review status: criteria provided, single submitter. Criteria: Invitae Variant Classification Sherloc (09022015). Collection method: clinical testing. Allele origin: germline.

CeGaT Center for Human Genetics Tuebingen
Classification: Likely benign. Last evaluated: 2026-01-01. Review status: criteria provided, single submitter. Criteria: CeGaT Center For Human Genetics Tuebingen Variant Classification Criteria Version 2. Collection method: clinical testing. Allele origin: germline. Affected: yes. Observed: 3 variant alleles.
Comment: LZTR1: BP4, BP7

Blueprint Genetics
Classification: Likely benign. Last evaluated: 2024-10-22. Review status: criteria provided, single submitter. Criteria: ACMG Guidelines, 2015. Collection method: clinical testing. Allele origin: germline.

Genome Diagnostics Laboratory, The Hospital for Sick Children
Classification: Uncertain significance for Noonan syndrome and Noonan-related syndrome. Last evaluated: 2020-06-01. Review status: criteria provided, single submitter. Criteria: ACMG Guidelines, 2015. Collection method: clinical testing. Allele origin: germline.

Ambry Genetics
Classification: Likely benign for Cardiovascular phenotype; Hereditary cancer-predisposing syndrome. Last evaluated: 2020-04-02. Review status: criteria provided, single submitter. Criteria: Ambry Variant Classification Scheme 2023. Collection method: clinical testing. Allele origin: germline.

Women's Health and Genetics/Laboratory Corporation of America, LabCorp
Classification: Benign. Last evaluated: 2020-02-01. Review status: criteria provided, single submitter. Criteria: LabCorp Variant Classification Summary - May 2015. Collection method: clinical testing. Allele origin: germline.

GeneDx
Classification: Likely benign. Last evaluated: 2019-09-25. Review status: criteria provided, single submitter. Criteria: GeneDx Variant Classification Process June 2021. Collection method: clinical testing. Allele origin: germline. Affected: yes.

NM_006767.4(LZTR1):c.2511C>T (p.Gly837=)

Gene: LZTR1 (leucine zipper like post translational regulator 1; plus strand). Cytogenetic location: 22q11.21.
Variant type: single nucleotide variant.
Coding change: c.2511C>T on transcript NM_006767.4 (MANE Select); coding-DNA position 2511, C replaced by T.
Protein change: p.Gly837=; no amino-acid change (glycine 837 retained).
Molecular consequence: synonymous variant.
Genome position (GRCh38, 1-based): chr22:20,997,336, C>T. VCF-style: chr22-20997336-C-T. GRCh37 (hg19) VCF-style: chr22-21351625-C-T.
Identifiers: ClinVar variation 703802 (VCV000703802.43), dbSNP rs202072955, ClinGen allele CA10119484.